The following is an entry in ClinVar:

NM_030631.4(SLC25A21):c.203G>C (p.Gly68Ala)

Gene: SLC25A21 (solute carrier family 25 member 21; minus strand). Cytogenetic location: 14q13.3.
Variant type: single nucleotide variant.
Coding change: c.203G>C on transcript NM_030631.4 (MANE Select); coding-DNA position 203, G replaced by C.
Protein change: p.Gly68Ala; replaces glycine 68 with alanine.
Molecular consequence: missense variant.
Genome position (GRCh38, 1-based): chr14:36,813,918, C>G on the plus strand (G>C on the coding strand, the complement: SLC25A21 is on the minus strand). VCF-style: chr14-36813918-C-G. GRCh37 (hg19) VCF-style: chr14-37283123-C-G.
Other names: c.203G>C, p.Gly68Ala (NM_001171170.2); short protein forms G68A.
Identifiers: ClinVar variation 1936448 (VCV001936448.5), dbSNP rs141677993, ClinGen allele CA7159409.

ClinVar aggregate classification (germline): Uncertain significance (1 of 4 stars; one submission).

Allele frequency attached by ClinVar (database versions not stated): ESP Exome Variant Server 0.00008.
gnomAD v4.1: 24 of 1,576,742 alleles (0.0015%); highest among the groups gnomAD compares: Non-Finnish European, 0.0018%; no homozygotes.

Submission:

Labcorp Genetics (formerly Invitae), Labcorp
Classification: Uncertain significance. Last evaluated: 2025-03-30. Review status: criteria provided, single submitter. Criteria: Invitae Variant Classification Sherloc (09022015). Collection method: clinical testing. Allele origin: germline.
Comment: This sequence change replaces glycine, which is neutral and non-polar, with alanine, which is neutral and non-polar, at codon 68 of the SLC25A21 protein (p.Gly68Ala). This variant also falls at the last nucleotide of exon 3, which is part of the consensus splice site for this exon. This variant is present in population databases (rs141677993, gnomAD 0.004%). This variant has not been reported in the literature in individuals affected with SLC25A21-related conditions. ClinVar contains an entry for this variant (Variation ID: 1936448). An algorithm developed to predict the effect of missense changes on protein structure and function (PolyPhen-2) suggests that this variant is likely to be disruptive. Variants that disrupt the consensus splice site are a relatively common cause of aberrant splicing (PMID: 17576681, 9536098). In summary, the available evidence is currently insufficient to determine the role of this variant in disease. Therefore, it has been classified as a Variant of Uncertain Significance.

Literature cited by the submitters: PubMed 17576681; PubMed 9536098.